The following is an entry in ClinVar:

NM_001195263.2(PDZD7):c.626G>A (p.Arg209His)

Gene: PDZD7 (PDZ domain containing 7; minus strand). Cytogenetic location: 10q24.31.
Variant type: single nucleotide variant.
Coding change: c.626G>A on transcript NM_001195263.2 (MANE Select); coding-DNA position 626, G replaced by A.
Protein change: p.Arg209His; replaces arginine 209 with histidine.
Molecular consequence: missense variant.
Genome position (GRCh38, 1-based): chr10:101,022,302, C>T on the plus strand (G>A on the coding strand, the complement: PDZD7 is on the minus strand). VCF-style: chr10-101022302-C-T. GRCh37 (hg19) VCF-style: chr10-102782059-C-T.
Other names: c.626G>A, p.Arg209His (NM_001351044.2, NM_024895.5); c.626G>A (NM_001195263.1); short protein forms R209H.
Identifiers: ClinVar variation 1046613 (VCV001046613.6), dbSNP rs1018597313, ClinGen allele CA212988379.

ClinVar aggregate classification (germline): Uncertain significance. Review status: criteria provided, multiple submitters, no conflicts (2 of 4 stars). 2 submissions from 2 submitters: Uncertain significance (2). Last evaluated 2022-10-24.

Conditions:
Inborn genetic diseases. Identifiers: MedGen C0950123, MeSH D030342.

Allele frequency attached by ClinVar (database versions not stated): gnomAD 0.00001; gnomAD exomes 0.00001; TOPMed 0.00001.

Submissions (2):

Labcorp Genetics (formerly Invitae), Labcorp
Classification: Uncertain significance. Last evaluated: 2022-10-24. Review status: criteria provided, single submitter. Criteria: Invitae Variant Classification Sherloc (09022015). Collection method: clinical testing. Allele origin: germline.
Comment: This sequence change replaces arginine, which is basic and polar, with histidine, which is basic and polar, at codon 209 of the PDZD7 protein (p.Arg209His). This variant is present in population databases (no rsID available, gnomAD 0.007%). This variant has not been reported in the literature in individuals affected with PDZD7-related conditions. ClinVar contains an entry for this variant (Variation ID: 1046613). Advanced modeling of protein sequence and biophysical properties (such as structural, functional, and spatial information, amino acid conservation, physicochemical variation, residue mobility, and thermodynamic stability) performed at Invitae indicates that this missense variant is not expected to disrupt PDZD7 protein function. In summary, the available evidence is currently insufficient to determine the role of this variant in disease. Therefore, it has been classified as a Variant of Uncertain Significance.

Ambry Genetics
Classification: Uncertain significance for Inborn genetic diseases. Last evaluated: 2021-08-16. Review status: criteria provided, single submitter. Criteria: Ambry Variant Classification Scheme 2023. Collection method: clinical testing. Allele origin: germline.